The following is an entry in ClinVar:

ClinVar aggregate classification (germline): Uncertain significance. Review status: criteria provided, multiple submitters, no conflicts (2 of 4 stars). 2 submissions from 2 submitters: Uncertain significance (2). Last evaluated 2025-11-24.

Conditions:
Costello syndrome (CSTLO). Also called: FCS SYNDROME; HRAS-Related Costello Syndrome; FACIOCUTANEOSKELETAL SYNDROME. Identifiers: Orphanet 3071, MedGen C0587248, MONDO:0009026, OMIM 218040.
HRAS-related disorder. Also called: HRAS-related condition.

Allele frequency attached by ClinVar (database versions not stated): gnomAD exomes below 0.00001.
gnomAD v4.1: 1 of 1,613,564 alleles (0.000062%); highest among the groups gnomAD compares: Admixed American, 0.0017%; no homozygotes.

Submissions (2):

PreventionGenetics, part of Exact Sciences
Classification: Uncertain significance for HRAS-related condition. Last evaluated: 2025-11-24. Review status: criteria provided, single submitter. Criteria: ACMG Guidelines, 2015. Collection method: clinical testing. Allele origin: germline.
Comment: The HRAS c.88G>A variant is predicted to result in the amino acid substitution p.Asp30Asn. To our knowledge, this variant has not been reported in the literature. This variant is reported in 0.0029% of alleles in individuals of Latino descent in gnomAD. At this time, the clinical significance of this variant is uncertain due to the absence of conclusive functional and genetic evidence.

Labcorp Genetics (formerly Invitae), Labcorp
Classification: Uncertain significance for Costello syndrome. Last evaluated: 2023-02-25. Review status: criteria provided, single submitter. Criteria: Invitae Variant Classification Sherloc (09022015). Collection method: clinical testing. Allele origin: germline.
Comment: This sequence change replaces aspartic acid, which is acidic and polar, with asparagine, which is neutral and polar, at codon 30 of the HRAS protein (p.Asp30Asn). This variant is present in population databases (no rsID available, gnomAD 0.003%). This variant has not been reported in the literature in individuals affected with HRAS-related conditions. ClinVar contains an entry for this variant (Variation ID: 1497843). Advanced modeling of protein sequence and biophysical properties (such as structural, functional, and spatial information, amino acid conservation, physicochemical variation, residue mobility, and thermodynamic stability) performed at Invitae indicates that this missense variant is not expected to disrupt HRAS protein function. In summary, the available evidence is currently insufficient to determine the role of this variant in disease. Therefore, it has been classified as a Variant of Uncertain Significance.

NM_005343.4(HRAS):c.88G>A (p.Asp30Asn)

Genes: HRAS (HRas proto-oncogene, GTPase; minus strand), LRRC56 (leucine rich repeat containing 56; plus strand). Cytogenetic location: 11p15.5.
Variant type: single nucleotide variant.
Coding change: c.88G>A on transcript NM_005343.4 (MANE Select); coding-DNA position 88, G replaced by A.
Protein change: p.Asp30Asn; replaces aspartic acid 30 with asparagine.
Molecular consequence: missense variant. On other transcripts: 5 prime UTR variant (1).
Genome position (GRCh38, 1-based): chr11:534,235, C>T on the plus strand (G>A on the coding strand, the complement: HRAS is on the minus strand). VCF-style: chr11-534235-C-T. GRCh37 (hg19) VCF-style: chr11-534235-C-T.
Other names: c.88G>A (NM_005343.3); c.88G>A, p.Asp30Asn (NM_001130442.3, NM_176795.5); c.-232G>A (NM_001318054.2); short protein forms D30N.
Identifiers: ClinVar variation 1497843 (VCV001497843.9), dbSNP rs1226305644, ClinGen allele CA378925062.
Genomic context (GRCh38, chr11:534,235, plus strand): 5'-GCAGCTGCTGGCACCTGGACGGCGGCGCCAGGCTCACCTCTATAGTGGGGTCGTATTCGT[C>T]CACAAAATGGTTCTGGATCAGCTGGATGGTCAGCGCACTCTTGCCCACACCGCCGGCGCC-3'
Protein context (NP_005334.1, residues 20-40): TIQLIQNHFV[Asp30Asn]EYDPTIEDSY